The following is an entry in ClinVar:

NM_000419.5(ITGA2B):c.1076T>A (p.Val359Glu)

Gene: ITGA2B (integrin subunit alpha 2b; minus strand). Cytogenetic location: 17q21.31.
Variant type: single nucleotide variant.
Coding change: c.1076T>A on transcript NM_000419.5 (MANE Select); coding-DNA position 1076, T replaced by A.
Protein change: p.Val359Glu; replaces valine 359 with glutamic acid.
Molecular consequence: missense variant.
Genome position (GRCh38, 1-based): chr17:44,383,627, A>T on the plus strand (T>A on the coding strand, the complement: ITGA2B is on the minus strand). VCF-style: chr17-44383627-A-T. GRCh37 (hg19) VCF-style: chr17-42460995-A-T.
Other names: short protein forms V359E.
Identifiers: ClinVar variation 3654452 (VCV003654452.2).
Genomic context (GRCh38, chr17:44,383,627, plus strand): 5'-GTCAGCAGGAGGCTGGGGGCACCCAGCGCGTGGGGGCCTCGCGGCTGCAGGAACAAATAC[A>T]CACGCCCCACTTCGGCCAGTTTTCGGTCTGCCCGGCTCTCCATATACAGTGGAGCGCCCA-3'
Protein context (NP_000410.2, residues 349-369): ADRKLAEVGR[Val359Glu]YLFLQPRGPH

ClinVar aggregate classification (germline): Uncertain significance (1 of 4 stars; one submission).

Conditions:
Glanzmann thrombasthenia. Also called: PLATELET GLYCOPROTEIN IIb-IIIa DEFICIENCY; BLEEDING DISORDER, PLATELET-TYPE, 2; THROMBASTHENIA OF GLANZMANN AND NAEGELI; Glanzmann's thrombasthenia; Thrombasthenia. Identifiers: Orphanet 849, MedGen C0040015, MONDO:0100326.

Submission:

Labcorp Genetics (formerly Invitae), Labcorp
Classification: Uncertain significance for Glanzmann thrombasthenia. Last evaluated: 2024-05-23. Review status: criteria provided, single submitter. Criteria: Invitae Variant Classification Sherloc (09022015). Collection method: clinical testing. Allele origin: germline.
Comment: This sequence change replaces valine, which is neutral and non-polar, with glutamic acid, which is acidic and polar, at codon 359 of the ITGA2B protein (p.Val359Glu). This variant is not present in population databases (gnomAD no frequency). This variant has not been reported in the literature in individuals affected with ITGA2B-related conditions. Advanced modeling of protein sequence and biophysical properties (such as structural, functional, and spatial information, amino acid conservation, physicochemical variation, residue mobility, and thermodynamic stability) performed at Invitae indicates that this missense variant is expected to disrupt ITGA2B protein function with a positive predictive value of 80%. Algorithms developed to predict the effect of sequence changes on RNA splicing suggest that this variant may create or strengthen a splice site. In summary, the available evidence is currently insufficient to determine the role of this variant in disease. Therefore, it has been classified as a Variant of Uncertain Significance.